The following is an entry in ClinVar:

NM_001370658.1(BTD):c.444C>A (p.Phe148Leu)

Gene: BTD (biotinidase; plus strand). Cytogenetic location: 3p25.1.
Variant type: single nucleotide variant.
Coding change: c.444C>A on transcript NM_001370658.1 (MANE Select); coding-DNA position 444, C replaced by A.
Protein change: p.Phe148Leu; replaces phenylalanine 148 with leucine.
Molecular consequence: missense variant. On other transcripts: intron variant (1).
Genome position (GRCh38, 1-based): chr3:15,644,360, C>A. VCF-style: chr3-15644360-C-A. GRCh37 (hg19) VCF-style: chr3-15685867-C-A.
Other names: c.504C>A, p.Phe168Leu (NM_000060.4); c.444C>A, p.Phe148Leu (NM_001281723.4, NM_001281724.3, NM_001281725.3 and 18 more transcripts); c.399+2303C>A (NM_001370753.1); short protein forms F148L, F168L.
Identifiers: ClinVar variation 1436966 (VCV001436966.7), dbSNP rs184742694, ClinGen allele CA351606232.

ClinVar aggregate classification (germline): Uncertain significance (1 of 4 stars; one submission).

Conditions:
Biotinidase deficiency. Also called: Biotin deficiency; BTD deficiency; Late-onset biotin-responsive multiple carboxylase deficiency. Identifiers: Orphanet 79241, MedGen C0220754, MONDO:0009665, OMIM 253260.

Submission:

Labcorp Genetics (formerly Invitae), Labcorp
Classification: Uncertain significance for Biotinidase deficiency. Last evaluated: 2021-08-11. Review status: criteria provided, single submitter. Criteria: Invitae Variant Classification Sherloc (09022015). Collection method: clinical testing. Allele origin: germline.
Comment: In summary, the available evidence is currently insufficient to determine the role of this variant in disease. Therefore, it has been classified as a Variant of Uncertain Significance. Algorithms developed to predict the effect of missense changes on protein structure and function are either unavailable or do not agree on the potential impact of this missense change (SIFT: "Deleterious"; PolyPhen-2: "Possibly Damaging"; Align-GVGD: "Class C0"). This variant has not been reported in the literature in individuals affected with BTD-related conditions. This variant is not present in population databases (ExAC no frequency). This sequence change replaces phenylalanine with leucine at codon 168 of the BTD protein (p.Phe168Leu). The phenylalanine residue is moderately conserved and there is a small physicochemical difference between phenylalanine and leucine.